The following is an entry in ClinVar:

ClinVar aggregate classification (germline): Uncertain significance (1 of 4 stars; one submission).

Conditions:
Familial thoracic aortic aneurysm and aortic dissection (TAAD). Also called: Thoracic aortic aneurysms and dissections. Identifiers: Orphanet 91387, MedGen C4707243, MONDO:0019625.

Submission:

Color Diagnostics, LLC DBA Color Health
Classification: Uncertain significance for Familial thoracic aortic aneurysm and aortic dissection. Last evaluated: 2025-07-18. Review status: criteria provided, single submitter. Criteria: ACMG Guidelines, 2015. Collection method: clinical testing. Allele origin: germline.
Comment: This missense variant replaces valine with phenylalanine at codon 28 of the TGFBR2 protein. Computational prediction suggests that this variant may not impact protein structure and function. To our knowledge, functional studies have not been reported for this variant. This variant has not been reported in individuals affected with TGFBR2-related disorders in the literature. This variant has not been identified in the general population by the Genome Aggregation Database (gnomAD). The available evidence is insufficient to determine the role of this variant in disease conclusively. Therefore, this variant is classified as a Variant of Uncertain Significance.

NM_003242.6(TGFBR2):c.82G>T (p.Val28Phe)

Gene: TGFBR2 (transforming growth factor beta receptor 2; plus strand). Cytogenetic location: 3p24.1.
Variant type: single nucleotide variant.
Coding change: c.82G>T on transcript NM_003242.6 (MANE Select); coding-DNA position 82, G replaced by T.
Protein change: p.Val28Phe; replaces valine 28 with phenylalanine.
Molecular consequence: missense variant. On other transcripts: 5 prime UTR variant (4), intron variant (2).
Genome position (GRCh38, 1-based): chr3:30,606,965, G>T. VCF-style: chr3-30606965-G-T. GRCh37 (hg19) VCF-style: chr3-30648457-G-T.
Other names: c.82G>T, p.Val28Phe (NM_001024847.3, NM_001407126.1, NM_001407127.1 and 4 more transcripts); c.-202G>T (NM_001407133.1); c.-80G>T (NM_001407134.1); c.-127G>T (NM_001407135.1); c.-212G>T (NM_001407136.1); c.-12+372G>T (NM_001407129.1, NM_001407132.1); short protein forms V28F.
Identifiers: ClinVar variation 4759041 (VCV004759041.1).